The following is an entry in ClinVar:

ClinVar aggregate classification (germline): Conflicting classifications of pathogenicity. Review status: criteria provided, conflicting classifications (1 of 4 stars). 4 submissions from 4 submitters: Uncertain significance (2); Likely benign (1). 1 of the submissions does not count toward it. Last evaluated 2026-03-01.

Conditions:
FG syndrome (FGS). Identifiers: MedGen C0220769, MONDO:0002010.
MED12-Related Disorders. Also called: MED12-related condition; MED12-related disorder. Identifiers: MedGen CN381102.
Familial thoracic aortic aneurysm and aortic dissection (TAAD). Also called: Thoracic aortic aneurysms and dissections. Identifiers: Orphanet 91387, MedGen C4707243, MONDO:0019625.

Allele frequency attached by ClinVar (database versions not stated): gnomAD 0.00001; gnomAD exomes 0.00001; TOPMed 0.00003.
gnomAD v4.1: 8 of 1,155,699 alleles (0.00069%); highest among the groups gnomAD compares: Admixed American, 0.0026%; no homozygotes.

Submissions (4):

CeGaT Center for Human Genetics Tuebingen
Classification: Likely benign. Last evaluated: 2026-03-01. Review status: criteria provided, single submitter. Criteria: CeGaT Center For Human Genetics Tuebingen Variant Classification Criteria Version 2. Collection method: clinical testing. Allele origin: germline. Affected: yes. Observed: 1 variant allele.
Comment: MED12: PM2, PP2, BS2

Labcorp Genetics (formerly Invitae), Labcorp
Classification: Uncertain significance for FG syndrome. Last evaluated: 2025-12-21. Review status: criteria provided, single submitter. Criteria: Invitae Variant Classification Sherloc (09022015). Collection method: clinical testing. Allele origin: germline.
Comment: This sequence change replaces aspartic acid, which is acidic and polar, with glutamic acid, which is acidic and polar, at codon 1545 of the MED12 protein (p.Asp1545Glu). The frequency data for this variant in the population databases is considered unreliable, as metrics indicate poor data quality at this position in the gnomAD database. This variant has not been reported in the literature in individuals affected with MED12-related conditions. ClinVar contains an entry for this variant (Variation ID: 1499980). Invitae Evidence Modeling of protein sequence and biophysical properties (such as structural, functional, and spatial information, amino acid conservation, physicochemical variation, residue mobility, and thermodynamic stability) has been performed for this missense variant. However, the output from this modeling did not meet the statistical confidence thresholds required to predict the impact of this variant on MED12 protein function. In summary, the available evidence is currently insufficient to determine the role of this variant in disease. Therefore, it has been classified as a Variant of Uncertain Significance.

Ambry Genetics
Classification: Uncertain significance for Familial thoracic aortic aneurysm and aortic dissection. Last evaluated: 2022-04-19. Review status: criteria provided, single submitter. Criteria: Ambry Variant Classification Scheme 2023. Collection method: clinical testing. Allele origin: germline.
Comment: The p.D1545E variant (also known as c.4635C>G), located in coding exon 34 of the MED12 gene, results from a C to G substitution at nucleotide position 4635. The aspartic acid at codon 1545 is replaced by glutamic acid, an amino acid with highly similar properties. Based on data from gnomAD, the G allele has an overall frequency of <0.01% (1/118377) total alleles studied, with 0 hemizygote(s) observed. The highest observed frequency was <0.01% (1/19933) of Latino alleles. This amino acid position is conserved. In addition, the in silico prediction for this alteration is inconclusive. Since supporting evidence is limited at this time, the clinical significance of this alteration remains unclear.

PreventionGenetics, part of Exact Sciences
Classification: Uncertain significance for MED12-related condition. Last evaluated: 2024-03-14. Review status: no assertion criteria provided. Collection method: clinical testing. Allele origin: germline. Not counted in ClinVar's aggregate classification.
Comment: The MED12 c.4635C>G variant is predicted to result in the amino acid substitution p.Asp1545Glu. To our knowledge, this variant has not been reported in the literature. This variant is reported in 0.0050% of alleles in individuals of Latino descent in gnomAD. At this time, the clinical significance of this variant is uncertain due to the absence of conclusive functional and genetic evidence.

NM_005120.3(MED12):c.4635C>G (p.Asp1545Glu)

Gene: MED12 (mediator complex subunit 12; plus strand). Cytogenetic location: Xq13.1.
Variant type: single nucleotide variant.
Coding change: c.4635C>G on transcript NM_005120.3 (MANE Select); coding-DNA position 4635, C replaced by G.
Protein change: p.Asp1545Glu; replaces aspartic acid 1545 with glutamic acid.
Molecular consequence: missense variant.
Genome position (GRCh38, 1-based): chrX:71,134,374, C>G. VCF-style: chrX-71134374-C-G. GRCh37 (hg19) VCF-style: chrX-70354224-C-G.
Other names: short protein forms D1545E.
Identifiers: ClinVar variation 1499980 (VCV001499980.17), dbSNP rs151316557, ClinGen allele CA330982589.